The following is an entry in ClinVar:

ClinVar aggregate classification (germline): Uncertain significance (1 of 4 stars; one submission).

Allele frequency attached by ClinVar (database versions not stated): gnomAD 0.00001; TOPMed 0.00002.
gnomAD v4.1: 1 of 1,583,498 alleles (0.000063%); highest among the groups gnomAD compares: African/African-American, 0.0013%; no homozygotes.

Submission:

Labcorp Genetics (formerly Invitae), Labcorp
Classification: Uncertain significance. Last evaluated: 2022-07-19. Review status: criteria provided, single submitter. Criteria: Invitae Variant Classification Sherloc (09022015). Collection method: clinical testing. Allele origin: germline.
Comment: ClinVar contains an entry for this variant (Variation ID: 1519715). In summary, the available evidence is currently insufficient to determine the role of this variant in disease. Therefore, it has been classified as a Variant of Uncertain Significance. Algorithms developed to predict the effect of sequence changes on RNA splicing suggest that this variant may create or strengthen a splice site. Algorithms developed to predict the effect of missense changes on protein structure and function are either unavailable or do not agree on the potential impact of this missense change (SIFT: "Tolerated"; PolyPhen-2: "Not Available"; Align-GVGD: "Class C0"). This variant has not been reported in the literature in individuals affected with ZCCHC8-related conditions. This variant is not present in population databases (gnomAD no frequency). This sequence change replaces glutamic acid, which is acidic and polar, with valine, which is neutral and non-polar, at codon 39 of the ZCCHC8 protein (p.Glu39Val).

NM_017612.5(ZCCHC8):c.116A>T (p.Glu39Val)

Gene: ZCCHC8 (zinc finger CCHC-type containing 8; minus strand). Cytogenetic location: 12q24.31.
Variant type: single nucleotide variant.
Coding change: c.116A>T on transcript NM_017612.5 (MANE Select); coding-DNA position 116, A replaced by T.
Protein change: p.Glu39Val; replaces glutamic acid 39 with valine.
Molecular consequence: missense variant. On other transcripts: 5 prime UTR variant (3).
Genome position (GRCh38, 1-based): chr12:122,500,725, T>A on the plus strand (A>T on the coding strand, the complement: ZCCHC8 is on the minus strand). VCF-style: chr12-122500725-T-A. GRCh37 (hg19) VCF-style: chr12-122985272-T-A.
Other names: c.116A>T, p.Glu39Val (NM_001350935.2); c.-808A>T (NM_001350936.2); c.-429A>T (NM_001350937.2); c.-323A>T (NM_001350938.2); short protein forms E39V.
Identifiers: ClinVar variation 1519715 (VCV001519715.8), dbSNP rs1468036472, ClinGen allele CA482210685.